The following is an entry in ClinVar:

NM_001351169.2(NT5C2):c.389+328T>G

Gene: NT5C2 (5'-nucleotidase, cytosolic II; minus strand). Cytogenetic location: 10q24.33.
Variant type: single nucleotide variant.
Coding change: c.389+328T>G on transcript NM_001351169.2 (MANE Select); 328 bases into the intron after coding-DNA position 389, T replaced by G.
Molecular consequence: intron variant. On other transcripts: synonymous variant (4), 5 prime UTR variant (5).
Genome position (GRCh38, 1-based): chr10:103,105,378, A>C on the plus strand (T>G on the coding strand, the complement: NT5C2 is on the minus strand). VCF-style: chr10-103105378-A-C. GRCh37 (hg19) VCF-style: chr10-104865135-A-C.
Other names: c.393T>G, p.Ser131= (NM_001351170.2, NM_001351171.2, NM_001351172.2 and 1 more transcripts); c.-205T>G (NM_001351178.2, NM_001351193.1); c.-397T>G (NM_001351186.2); c.-418T>G (NM_001351187.2); c.-387T>G (NM_001351196.2); c.302+328T>G (NM_001351174.1); c.-93+328T>G (NM_001351191.1, NM_001351181.2); c.-185+328T>G (NM_001351192.1, NM_001351183.2, NM_001351176.2 and 2 more transcripts); and 6 more.
Identifiers: ClinVar variation 2640801 (VCV002640801.24), dbSNP rs776922374, ClinGen allele CA5671113.
Genomic context (GRCh38, chr10:103,105,378, plus strand): 5'-TATAGTTTAAAATTTTTTCAAAGCATTTTTATATACATACCTCTTCTGAACAGCTACCTG[A>C]GAACTGTATTAGAAAGAAGAAAATAAAAATCTTAGAATTTCAAATAAGTCAAAACTACTA-3'

ClinVar aggregate classification (germline): Likely benign (1 of 4 stars; one submission).

Allele frequency attached by ClinVar (database versions not stated): gnomAD 0.00001; gnomAD exomes 0.00002; TOPMed 0.00002.
gnomAD v4.1: 17 of 967,346 alleles (0.0018%); highest among the groups gnomAD compares: Non-Finnish European, 0.0022%; no homozygotes.

Submission:

CeGaT Center for Human Genetics Tuebingen
Classification: Likely benign. Last evaluated: 2022-12-01. Review status: criteria provided, single submitter. Criteria: CeGaT Center For Human Genetics Tuebingen Variant Classification Criteria Version 2. Collection method: clinical testing. Allele origin: germline. Affected: yes. Observed: 1 variant allele.
Comment: NT5C2: BP4, BP7